The following is an entry in ClinVar:

ClinVar aggregate classification (germline): Benign/Likely benign. Review status: criteria provided, multiple submitters, no conflicts (2 of 4 stars). 7 submissions from 7 submitters: Benign (4); Likely benign (3). Last evaluated 2026-01-28.

Conditions:
Autoinflammatory syndrome. Identifiers: Orphanet 93665, MedGen C3890737, MONDO:0019751.
Chédiak-Higashi syndrome (CHS). Also called: Chediak-Higashi Syndrome. Identifiers: Orphanet 167, MedGen C0007965, MONDO:0008963, OMIM 214500.

Allele frequency attached by ClinVar (database versions not stated): gnomAD exomes 0.00077; ExAC 0.00094; gnomAD 0.00282 and 0.00302; 1000 Genomes Project 0.00300; TOPMed 0.00301; 1000 Genomes Project 30x 0.00312; ESP Exome Variant Server 0.00354.
gnomAD v4.1: 914 of 1,613,364 alleles (0.057%); highest among the groups gnomAD compares: African/African-American, 1.1%; 6 homozygotes.

Submissions (7):

Labcorp Genetics (formerly Invitae), Labcorp
Classification: Benign for Chédiak-Higashi syndrome. Last evaluated: 2026-01-28. Review status: criteria provided, single submitter. Criteria: Invitae Variant Classification Sherloc (09022015). Collection method: clinical testing. Allele origin: germline.

Mayo Clinic Laboratories, Mayo Clinic
Classification: Benign. Last evaluated: 2025-09-04. Review status: criteria provided, single submitter. Criteria: ACMG Guidelines, 2015. Collection method: clinical testing. Allele origin: germline. Observed: 7 variant alleles.
Comment: BS1, BS2, BP4

CeGaT Center for Human Genetics Tuebingen
Classification: Likely benign. Last evaluated: 2025-08-01. Review status: criteria provided, single submitter. Criteria: CeGaT Center For Human Genetics Tuebingen Variant Classification Criteria Version 2. Collection method: clinical testing. Allele origin: germline. Affected: yes. Observed: 1 variant allele.
Comment: LYST: BP4, BS1

Blueprint Genetics
Classification: Likely benign. Last evaluated: 2024-09-25. Review status: criteria provided, single submitter. Criteria: ACMG Guidelines, 2015. Collection method: clinical testing. Allele origin: germline.

Genome Diagnostics Laboratory, The Hospital for Sick Children
Classification: Likely benign for Autoinflammatory syndrome. Last evaluated: 2018-02-02. Review status: criteria provided, single submitter. Criteria: ACMG Guidelines, 2015. Collection method: clinical testing. Allele origin: germline. Affected: yes.

Breakthrough Genomics
Classification: Benign. Review status: criteria provided, single submitter. Criteria: ACMG Guidelines, 2015. Collection method: not provided. Allele origin: germline. Inheritance: Autosomal recessive inheritance. Affected: yes.

PreventionGenetics, part of Exact Sciences
Classification: Benign. Review status: criteria provided, single submitter. Criteria: ACMG Guidelines, 2015. Collection method: clinical testing. Allele origin: germline.

NM_000081.4(LYST):c.3359G>T (p.Ser1120Ile)

Gene: LYST (lysosomal trafficking regulator; minus strand). Cytogenetic location: 1q42.3.
Variant type: single nucleotide variant.
Coding change: c.3359G>T on transcript NM_000081.4 (MANE Select); coding-DNA position 3359, G replaced by T.
Protein change: p.Ser1120Ile; replaces serine 1120 with isoleucine.
Molecular consequence: missense variant.
Genome position (GRCh38, 1-based): chr1:235,805,777, C>A on the plus strand (G>T on the coding strand, the complement: LYST is on the minus strand). VCF-style: chr1-235805777-C-A. GRCh37 (hg19) VCF-style: chr1-235969077-C-A.
Other names: p.Ser1120Ile; c.3359G>T, p.Ser1120Ile (NM_001301365.1); short protein forms S1120I.
Identifiers: ClinVar variation 254917 (VCV000254917.28), dbSNP rs143223086, ClinGen allele CA1467100.